The following is an entry in ClinVar:

NM_144672.4(OTOA):c.2207+4A>G

Gene: OTOA (otoancorin). Cytogenetic location: 16p12.2.
Variant type: single nucleotide variant.
Coding change: c.2207+4A>G on transcript NM_144672.4 (MANE Select); 4 bases into the intron after coding-DNA position 2207, A replaced by G.
Molecular consequence: intron variant.
Genome position (GRCh38, 1-based): chr16:21,728,435, A>G. VCF-style: chr16-21728435-A-G. GRCh37 (hg19) VCF-style: chr16-21739756-A-G.
Other names: c.1970+4A>G (NM_001161683.2); c.1235+4A>G (NM_170664.3).
Identifiers: ClinVar variation 4535729 (VCV004535729.1).
Genomic context (GRCh38, chr16:21,728,435, plus strand): 5'-AGACCTCAACCCTGAGCAAAAGGCTGCAGTGAGGCTCAAGCTCCTGGGACAGTATGGGTG[A>G]GGAGCGGCTGGGTTTGGCTTTTGGTGGTGTGGTATGCTCTGTGGAGGGACACTCAACCTT-3'

ClinVar aggregate classification (germline): Uncertain significance (1 of 4 stars; one submission).

Submission:

Women's Health and Genetics/Laboratory Corporation of America, LabCorp
Classification: Uncertain significance. Last evaluated: 2025-09-05. Review status: criteria provided, single submitter. Criteria: LabCorp Variant Classification Summary - May 2015. Collection method: clinical testing. Allele origin: germline.
Comment: Variant summary: OTOA c.2207+4A>G alters a nucleotide located close to a canonical splice site and therefore could affect mRNA splicing, leading to a significantly altered protein sequence. Several computational tools predict a significant impact on normal splicing: Four predict the variant abolishes a 5' splicing donor site. However, these predictions have yet to be confirmed by functional studies. The variant was absent in 249690 control chromosomes. The available data on variant occurrences in the general population are insufficient to allow any conclusion about variant significance. To our knowledge, no occurrence of c.2207+4A>G in individuals affected with OTOA-related conditions and no experimental evidence demonstrating its impact on protein function have been reported. No submitters have cited clinical-significance assessments for this variant to ClinVar. Based on the evidence outlined above, the variant was classified as uncertain significance.